The following is an entry in ClinVar:

NM_002852.4(PTX3):c.795A>T (p.Gly265=)

Genes: PTX3 (pentraxin 3; plus strand), VEPH1 (ventricular zone expressed PH domain containing 1; minus strand). Cytogenetic location: 3q25.32.
Variant type: single nucleotide variant.
Coding change: c.795A>T on transcript NM_002852.4 (MANE Select); coding-DNA position 795, A replaced by T.
Protein change: p.Gly265=; no amino-acid change (glycine 265 retained).
Molecular consequence: synonymous variant. On other transcripts: intron variant (3).
Genome position (GRCh38, 1-based): chr3:157,442,628, A>T. VCF-style: chr3-157442628-A-T. GRCh37 (hg19) VCF-style: chr3-157160417-A-T.
Other names: c.530-14140T>A (NM_001167911.2, NM_001167912.2, NM_024621.2).
Identifiers: ClinVar variation 714212 (VCV000714212.6), dbSNP rs141322370, ClinGen allele CA2680663.
Genomic context (GRCh38, chr3:157,442,628, plus strand): 5'-AGTGTTTGTGGTGGGTGGAGAGGAGAACAAACTGGTTGCTGAAGCCATGGTTTCCCTGGG[A>T]AGGTGGACCCACCTGTGCGGCACCTGGAATTCAGAGGAAGGGCTCACATCCTTGTGGGTA-3'
Protein context (NP_002843.2, residues 255-275): KLVAEAMVSL[Gly265=]RWTHLCGTWN

ClinVar aggregate classification (germline): Benign/Likely benign. Review status: criteria provided, multiple submitters, no conflicts (2 of 4 stars). 3 submissions from 3 submitters: Benign (1); Likely benign (1). 1 of the submissions does not count toward it. Last evaluated 2024-11-06.

Conditions:
PTX3-related disorder. Also called: PTX3-related condition.

Allele frequency attached by ClinVar (database versions not stated): gnomAD exomes 0.00015 and 0.00036; ExAC 0.00046; gnomAD 0.00107 and 0.00111; ESP Exome Variant Server 0.00131; TOPMed 0.00137; 1000 Genomes Project 30x 0.00187; 1000 Genomes Project 0.00240.
gnomAD v4.1: 402 of 1,614,204 alleles (0.025%); highest among the groups gnomAD compares: African/African-American, 0.46%; 2 homozygotes.

Submissions (3):

Blueprint Genetics
Classification: Likely benign. Last evaluated: 2024-11-06. Review status: criteria provided, single submitter. Criteria: ACMG Guidelines, 2015. Collection method: clinical testing. Allele origin: germline.

Labcorp Genetics (formerly Invitae), Labcorp
Classification: Benign. Last evaluated: 2018-06-18. Review status: criteria provided, single submitter. Criteria: Invitae Variant Classification Sherloc (09022015). Collection method: clinical testing. Allele origin: germline.

PreventionGenetics, part of Exact Sciences
Classification: Likely benign for PTX3-related condition. Last evaluated: 2023-10-18. Review status: no assertion criteria provided. Collection method: clinical testing. Allele origin: germline. Not counted in ClinVar's aggregate classification.
Comment: This variant is classified as likely benign based on ACMG/AMP sequence variant interpretation guidelines (Richards et al. 2015 PMID: 25741868, with internal and published modifications).